The following is an entry in ClinVar:

NM_001009944.3(PKD1):c.4494C>G (p.Tyr1498Ter)

Gene: PKD1 (polycystin 1, transient receptor potential channel interacting; minus strand). Cytogenetic location: 16p13.3.
Variant type: single nucleotide variant.
Coding change: c.4494C>G on transcript NM_001009944.3 (MANE Select); coding-DNA position 4494, C replaced by G.
Protein change: p.Tyr1498Ter; replaces tyrosine 1498 with a stop codon.
Molecular consequence: nonsense.
Genome position (GRCh38, 1-based): chr16:2,110,673, G>C on the plus strand (C>G on the coding strand, the complement: PKD1 is on the minus strand). VCF-style: chr16-2110673-G-C. GRCh37 (hg19) VCF-style: chr16-2160674-G-C.
Other names: c.4494C>G, p.Tyr1498Ter (NM_000296.4); short protein forms Y1498*.
Identifiers: ClinVar variation 3579512 (VCV003579512.2).

ClinVar aggregate classification (germline): Pathogenic. Review status: criteria provided, multiple submitters, no conflicts (2 of 4 stars). 2 submissions from 2 submitters: Pathogenic (2). Last evaluated 2026-03-24.

Conditions:
PKD1-related disorder. Also called: PKD1-related condition.
Polycystic kidney disease, adult type (PKD1). Also called: Polycystic Kidney Disease 1, Autosomal Dominant; Polycystic kidney disease 1; Polycystic kidney disease 1, severe; Polycystic Kidney, Autosomal Dominant; POLYCYSTIC KIDNEY DISEASE, ADULT, TYPE I; POLYCYSTIC KIDNEY DISEASE 1 WITH OR WITHOUT POLYCYSTIC LIVER DISEASE. Identifiers: MedGen C3149841, MONDO:0008263, OMIM 173900.

Submissions (2):

PreventionGenetics, part of Exact Sciences
Classification: Pathogenic for PKD1-related condition. Last evaluated: 2026-03-24. Review status: criteria provided, single submitter. Criteria: ACMG Guidelines, 2015. Collection method: clinical testing. Allele origin: germline.
Comment: The PKD1 c.4494C>G variant is predicted to result in premature protein termination (p.Tyr1498*). This variant was reported in an individual with autosomal dominant polycystic kidney disease (ADPKD) (Suppl. Table S3, Carrera et al. 2016. PubMed ID: 27499327). This variant has not been reported in a large population database (gnomAD), indicating this variant is rare. Nonsense variants in PKD1 are expected to be pathogenic. This variant is interpreted as pathogenic.

Fulgent Genetics
Classification: Pathogenic for Polycystic kidney disease, adult type. Last evaluated: 2024-04-13. Review status: criteria provided, single submitter. Criteria: ACMG Guidelines, 2015. Collection method: clinical testing. Allele origin: germline.